The following is an entry in ClinVar:

NM_018489.3(ASH1L):c.2165TGG[1] (p.Val723del)

Gene: ASH1L (ASH1 like histone lysine methyltransferase; minus strand). Cytogenetic location: 1q22.
Variant type: Microsatellite.
Coding change: c.2165TGG[1] on transcript NM_018489.3 (MANE Select); one copy of the 3-base unit TGG starting at c.2165; the reference has two copies in a row; one copy, 3 bases deleted.
Protein change: p.Val723del; deletes valine 723.
Molecular consequence: inframe deletion.
Genome position (GRCh38, 1-based): chr1:155,480,700-155,480,702, CCA deleted on the plus strand (TGG on the coding strand, the reverse complement: ASH1L is on the minus strand); deleting any 3 consecutive bases within chr1:155,480,700-155,480,706 gives the same sequence; the position shown is the placement nearest the transcript's 3' end. VCF-style (leftmost placement, unchanged base first): chr1-155480699-GCCA-G. GRCh37 (hg19) VCF-style: chr1-155450490-GCCA-G.
Other names: c.2165TGG[1], p.Val723del (NM_001366177.2); short protein forms V723del.
Identifiers: ClinVar variation 1318533 (VCV001318533.2), dbSNP rs751502402, ClinGen allele CA1147241.

ClinVar aggregate classification (germline): Uncertain significance (1 of 4 stars; one submission).

Submission:

GeneDx
Classification: Uncertain significance. Last evaluated: 2019-12-06. Review status: criteria provided, single submitter. Criteria: GeneDx Variant Classification Process June 2021. Collection method: clinical testing. Allele origin: germline. Affected: yes.
Comment: In-frame deletion of 1 amino acid in a non-repeat region; In silico analysis, which includes protein predictors and evolutionary conservation, supports a deleterious effect; Has not been previously published as pathogenic or benign to our knowledge